The following is an entry in ClinVar:

ClinVar aggregate classification (germline): Uncertain significance (1 of 4 stars; one submission).

Submission:

Ambry Genetics
Classification: Uncertain significance. Last evaluated: 2024-02-01. Review status: criteria provided, single submitter. Criteria: Ambry Variant Classification Scheme 2023. Collection method: clinical testing. Allele origin: germline.
Comment: The p.P379R variant (also known as c.1136C>G), located in coding exon 8 of the POLQ gene, results from a C to G substitution at nucleotide position 1136. The proline at codon 379 is replaced by arginine, an amino acid with dissimilar properties. This amino acid position is conserved. In addition, this alteration is predicted to be tolerated by in silico analysis. Based on the available evidence, the clinical significance of this alteration remains unclear.

NM_199420.4(POLQ):c.1136C>G (p.Pro379Arg)

Gene: POLQ (DNA polymerase theta; minus strand). Cytogenetic location: 3q13.33.
Variant type: single nucleotide variant.
Coding change: c.1136C>G on transcript NM_199420.4 (MANE Select); coding-DNA position 1136, C replaced by G.
Protein change: p.Pro379Arg; replaces proline 379 with arginine.
Molecular consequence: missense variant.
Genome position (GRCh38, 1-based): chr3:121,522,122, G>C on the plus strand (C>G on the coding strand, the complement: POLQ is on the minus strand). VCF-style: chr3-121522122-G-C. GRCh37 (hg19) VCF-style: chr3-121240969-G-C.
Other names: short protein forms P379R.
Identifiers: ClinVar variation 3229812 (VCV003229812.1), dbSNP rs2546811763, ClinGen allele CA354122013.